The following is an entry in ClinVar:

NM_018122.5(DARS2):c.1343C>T (p.Ala448Val)

Gene: DARS2 (aspartyl-tRNA synthetase 2, mitochondrial; plus strand). Cytogenetic location: 1q25.1.
Variant type: single nucleotide variant.
Coding change: c.1343C>T on transcript NM_018122.5 (MANE Select); coding-DNA position 1343, C replaced by T.
Protein change: p.Ala448Val; replaces alanine 448 with valine.
Molecular consequence: missense variant. On other transcripts: intron variant (1).
Genome position (GRCh38, 1-based): chr1:173,850,478, C>T. VCF-style: chr1-173850478-C-T. GRCh37 (hg19) VCF-style: chr1-173819616-C-T.
Other names: c.1343C>T, p.Ala448Val (NM_001365213.2); c.1192-2871C>T (NM_001365212.1); c.1343C>T (NM_018122.4); short protein forms A448V.
Identifiers: ClinVar variation 1366980 (VCV001366980.9), dbSNP rs752028936, ClinGen allele CA1250387.
Genomic context (GRCh38, chr1:173,850,478, plus strand): 5'-GACTAATGGAGACCCAAGAGGAAGATGTGGTCCTACTAACTGCTGGAGAGCACAATAAAG[C>T]AGTAAGAAAAATTACTTCCAAGCATCAGTGCTGTTGATGCTGAACAATGCCTTACTCTCC-3'
Protein context (NP_060592.2, residues 438-458): VLLTAGEHNK[Ala448Val]CSLLGKLRLE

ClinVar aggregate classification (germline): Uncertain significance. Review status: criteria provided, multiple submitters, no conflicts (2 of 4 stars). 2 submissions from 2 submitters: Uncertain significance (2). Last evaluated 2024-10-23.

Allele frequency attached by ClinVar (database versions not stated): gnomAD exomes 0.00001 and 0.00002; TOPMed 0.00002; ExAC 0.00003.
gnomAD v4.1: 10 of 1,613,578 alleles (0.00062%); highest among the groups gnomAD compares: Admixed American, 0.0033%; no homozygotes.

Submissions (2):

Labcorp Genetics (formerly Invitae), Labcorp
Classification: Uncertain significance. Last evaluated: 2024-10-23. Review status: criteria provided, single submitter. Criteria: Invitae Variant Classification Sherloc (09022015). Collection method: clinical testing. Allele origin: germline.
Comment: This sequence change replaces alanine, which is neutral and non-polar, with valine, which is neutral and non-polar, at codon 448 of the DARS2 protein (p.Ala448Val). This variant is present in population databases (rs752028936, gnomAD 0.006%). This variant has not been reported in the literature in individuals affected with DARS2-related conditions. ClinVar contains an entry for this variant (Variation ID: 1366980). An algorithm developed to predict the effect of missense changes on protein structure and function (PolyPhen-2) suggests that this variant is likely to be tolerated. Algorithms developed to predict the effect of sequence changes on RNA splicing suggest that this variant may disrupt the consensus splice site. In summary, the available evidence is currently insufficient to determine the role of this variant in disease. Therefore, it has been classified as a Variant of Uncertain Significance.

GeneDx
Classification: Uncertain significance. Last evaluated: 2024-09-23. Review status: criteria provided, single submitter. Criteria: GeneDx Variant Classification Process June 2021. Collection method: clinical testing. Allele origin: germline. Affected: yes.
Comment: Not observed at significant frequency in large population cohorts (gnomAD); In silico analysis indicates that this missense variant does not alter protein structure/function; Has not been previously published as pathogenic or benign to our knowledge; In silico analysis suggests this variant may impact gene splicing. In the absence of RNA/functional studies, the actual effect of this sequence change is unknown